The following is an entry in ClinVar:

ClinVar aggregate classification (germline): Uncertain significance (1 of 4 stars; one submission).

Conditions:
Developmental and epileptic encephalopathy. Identifiers: MedGen C5779964, MONDO:0100620.

Allele frequency attached by ClinVar (database versions not stated): gnomAD exomes below 0.00001; ExAC 0.00001; gnomAD 0.00001; TOPMed 0.00001; 1000 Genomes Project 30x 0.00016; 1000 Genomes Project 0.00020.
gnomAD v4.1: 2 of 1,613,404 alleles (0.00012%); highest among the groups gnomAD compares: East Asian, 0.0022%; no homozygotes.

Submission:

Labcorp Genetics (formerly Invitae), Labcorp
Classification: Uncertain significance for Early-infantile DEE. Last evaluated: 2023-10-13. Review status: criteria provided, single submitter. Criteria: Invitae Variant Classification Sherloc (09022015). Collection method: clinical testing. Allele origin: germline.
Comment: This sequence change replaces arginine, which is basic and polar, with glutamine, which is neutral and polar, at codon 91 of the SLC25A22 protein (p.Arg91Gln). This variant is present in population databases (rs199841087, gnomAD 0.006%). This variant has not been reported in the literature in individuals affected with SLC25A22-related conditions. ClinVar contains an entry for this variant (Variation ID: 1347750). Advanced modeling of protein sequence and biophysical properties (such as structural, functional, and spatial information, amino acid conservation, physicochemical variation, residue mobility, and thermodynamic stability) has been performed at Invitae for this missense variant, however the output from this modeling did not meet the statistical confidence thresholds required to predict the impact of this variant on SLC25A22 protein function. In summary, the available evidence is currently insufficient to determine the role of this variant in disease. Therefore, it has been classified as a Variant of Uncertain Significance.

NM_001191061.2(SLC25A22):c.272G>A (p.Arg91Gln)

Gene: SLC25A22 (solute carrier family 25 member 22; minus strand). Cytogenetic location: 11p15.5.
Variant type: single nucleotide variant.
Coding change: c.272G>A on transcript NM_001191061.2 (MANE Select); coding-DNA position 272, G replaced by A.
Protein change: p.Arg91Gln; replaces arginine 91 with glutamine.
Molecular consequence: missense variant.
Genome position (GRCh38, 1-based): chr11:793,550, C>T on the plus strand (G>A on the coding strand, the complement: SLC25A22 is on the minus strand). VCF-style: chr11-793550-C-T. GRCh37 (hg19) VCF-style: chr11-793550-C-T.
Other names: c.272G>A, p.Arg91Gln (NM_001191060.2, NM_024698.6); short protein forms R91Q.
Identifiers: ClinVar variation 1347750 (VCV001347750.7), dbSNP rs199841087, ClinGen allele CA5789269.